The following is an entry in ClinVar:

ClinVar aggregate classification (germline): Conflicting classifications of pathogenicity. Review status: criteria provided, conflicting classifications (1 of 4 stars). 6 submissions from 4 submitters: Uncertain significance (4); Benign (1); Likely benign (1). Last evaluated 2024-01-31.

Conditions:
Hypoaldosteronism, congenital.
Glucocorticoid-remediable aldosteronism. Also called: Hyperaldosteronism, familial, type I; ACTH-DEPENDENT HYPERALDOSTERONISM SYNDROME; ALDOSTERONISM, SENSITIVE TO DEXAMETHASONE; FH I; GLUCOCORTICOID-SUPPRESSIBLE HYPERALDOSTERONISM. Identifiers: Orphanet 403, MedGen C3838731, MONDO:0007080, OMIM 103900.
Inborn genetic diseases. Identifiers: MedGen C0950123, MeSH D030342.
Corticosterone methyloxidase type 2 deficiency. Also called: 18-OXIDASE DEFICIENCY; ALDOSTERONE DEFICIENCY DUE TO DEFICIENCY OF STEROID 18-OXIDASE; ALDOSTERONE DEFICIENCY II; CMO II DEFICIENCY; STEROID 18-OXIDASE DEFICIENCY. Identifiers: Orphanet 427, MedGen C3463917, MONDO:0012524, OMIM 610600. Disease mechanism: loss of function.
Corticosterone 18-monooxygenase deficiency. Also called: ALDOSTERONE DEFICIENCY DUE TO DEFECT IN STEROID 18-HYDROXYLASE; ALDOSTERONE DEFICIENCY I; CMO I DEFICIENCY; STEROID 18-HYDROXYLASE DEFICIENCY; 18 Hydroxylase deficiency; Aldosterone deficiency due to defect in 18 hydroxylase. Identifiers: Orphanet 427, MedGen C0268293, MONDO:0008751, OMIM 203400. Disease mechanism: loss of function.

Allele frequency attached by ClinVar (database versions not stated): gnomAD 0.00001 and 0.00005; gnomAD exomes 0.00002 and 0.00008; TOPMed 0.00003; ExAC 0.00007; 1000 Genomes Project 30x 0.00031; 1000 Genomes Project 0.00040.

Submissions (6):

Labcorp Genetics (formerly Invitae), Labcorp
Classification: Likely benign. Last evaluated: 2024-01-31. Review status: criteria provided, single submitter. Criteria: Invitae Variant Classification Sherloc (09022015). Collection method: clinical testing. Allele origin: germline.

Clinical Genomics Laboratory, Stanford Medicine
Classification: Uncertain significance for Hypoaldosteronism, congenital. Last evaluated: 2022-09-09. Review status: criteria provided, single submitter. Criteria: ACMG Guidelines, 2015. Collection method: clinical testing. Allele origin: germline. Observed: 1 variant allele, 1 heterozygote.

Ambry Genetics
Classification: Uncertain significance for Inborn genetic diseases. Last evaluated: 2021-07-06. Review status: criteria provided, single submitter. Criteria: Ambry Variant Classification Scheme 2023. Collection method: clinical testing. Allele origin: germline.

Illumina Laboratory Services, Illumina
Classification: Benign for Hyperaldosteronism, familial, type I. Last evaluated: 2018-01-12. Review status: criteria provided, single submitter. Criteria: ICSL Variant Classification Criteria 13 December 2019. Collection method: clinical testing. Allele origin: germline.
Comment: This variant was observed in the ICSL laboratory as part of a predisposition screen in an ostensibly healthy population. It had not been previously curated by ICSL or reported in the Human Gene Mutation Database (HGMD: prior to June 1st, 2018), and was therefore a candidate for classification through an automated scoring system. Utilizing variant allele frequency, disease prevalence and penetrance estimates, and inheritance mode, an automated score was calculated to assess if this variant is too frequent to cause the disease. Based on the score and internal cut-off values, a variant classified as benign is not then subjected to further curation. The score for this variant resulted in a classification of benign for this disease.

Illumina Laboratory Services, Illumina
Classification: Uncertain significance for Corticosterone methyloxidase type 2 deficiency. Last evaluated: 2018-01-12. Review status: criteria provided, single submitter. Criteria: ICSL Variant Classification Criteria 13 December 2019. Collection method: clinical testing. Allele origin: germline.

Illumina Laboratory Services, Illumina
Classification: Uncertain significance for Corticosterone 18-monooxygenase deficiency. Last evaluated: 2018-01-12. Review status: criteria provided, single submitter. Criteria: ICSL Variant Classification Criteria 13 December 2019. Collection method: clinical testing. Allele origin: germline.

NM_000498.3(CYP11B2):c.352G>A (p.Ala118Thr)

Genes: CYP11B2 (cytochrome P450 family 11 subfamily B member 2; minus strand), LOC106799834 (CYP11B2 recombination region; plus strand). Cytogenetic location: 8q24.3.
Variant type: single nucleotide variant.
Coding change: c.352G>A on transcript NM_000498.3 (MANE Select); coding-DNA position 352, G replaced by A.
Protein change: p.Ala118Thr; replaces alanine 118 with threonine.
Molecular consequence: missense variant.
Genome position (GRCh38, 1-based): chr8:142,917,102, C>T on the plus strand (G>A on the coding strand, the complement: CYP11B2 is on the minus strand). VCF-style: chr8-142917102-C-T. GRCh37 (hg19) VCF-style: chr8-143998518-C-T.
Other names: short protein forms A118T.
Identifiers: ClinVar variation 362226 (VCV000362226.14), dbSNP rs372556807, ClinGen allele CA4906283.
Genomic context (GRCh38, chr8:142,917,102, plus strand): 5'-CCCAACTCGCCGCTTACAACAAGAACACGCCACATTTGTGCCCACGATGTTGTCTGTAGG[C>T]CACCCAGGGCTCCAGGATCATCCTGCAGGGATGCAGGCTGTCCACCTGTTGCAGCTTCTC-3'
Protein context (NP_000489.3, residues 108-128): PCRMILEPWV[Ala118Thr]YRQHRGHKCG